The following is an entry in ClinVar:

ClinVar aggregate classification (germline): Pathogenic. Review status: criteria provided, multiple submitters, no conflicts (2 of 4 stars). 2 submissions from 2 submitters: Pathogenic (2). Last evaluated 2022-11-08.

Conditions:
Primary ciliary dyskinesia. Also called: Ciliary dyskinesia. Identifiers: Orphanet 244, MedGen C0008780, MONDO:0016575, HP:0012265.
RPGR-related disorder. Also called: RPGR-related condition.

Submissions (2):

Labcorp Genetics (formerly Invitae), Labcorp
Classification: Pathogenic for Primary ciliary dyskinesia. Last evaluated: 2022-11-08. Review status: criteria provided, single submitter. Criteria: Invitae Variant Classification Sherloc (09022015). Collection method: clinical testing. Allele origin: germline.
Comment: For these reasons, this variant has been classified as Pathogenic. This variant disrupts a region of the RPGR (ORF15) protein in which other variant(s) (p.Leu1130Lysfs*13) have been determined to be pathogenic (PMID: 22264887; Invitae). This suggests that this is a clinically significant region of the protein, and that variants that disrupt it are likely to be disease-causing. This premature translational stop signal has been observed in individual(s) with retinitis pigmentosa (PMID: 30337596). This variant is not present in population databases (gnomAD no frequency). This sequence change creates a premature translational stop signal (p.Asp744Glufs*70) in the RPGR (ORF15) gene. While this is not anticipated to result in nonsense mediated decay, it is expected to disrupt the last 409 amino acid(s) of the RPGR (ORF15) protein.

Blueprint Genetics
Classification: Pathogenic for RPGR-related disorders. Last evaluated: 2020-12-21. Review status: criteria provided, single submitter. Criteria: ACMG Guidelines, 2015. Collection method: clinical testing. Allele origin: germline. Affected: yes. Observed: 3 variant alleles.

Literature cited by the submitters: PubMed 22264887 (cited by Labcorp Genetics (formerly Invitae), Labcorp); PubMed 30337596 (cited by Labcorp Genetics (formerly Invitae), Labcorp).

NM_001034853.2(RPGR):c.2232_2235del (p.Asp744fs)

Gene: RPGR (retinitis pigmentosa GTPase regulator; minus strand). Cytogenetic location: Xp11.4.
Variant type: Deletion.
Coding change: c.2232_2235del on transcript NM_001034853.2 (MANE Select); coding-DNA positions 2232 to 2235, 4 bases deleted (CAGA; older notation c.2232_2235delCAGA).
Protein change: p.Asp744fs; shifts the reading frame from aspartic acid 744.
Molecular consequence: frameshift variant. On other transcripts: intron variant (8).
Genome position (GRCh38, 1-based): chrX:38,286,764-38,286,767, TCTG deleted on the plus strand (CAGA on the coding strand, the reverse complement: RPGR is on the minus strand); deleting any 4 consecutive bases within chrX:38,286,764-38,286,770 gives the same sequence; the c. name uses the placement nearest the transcript's 3' end. VCF-style (leftmost placement, unchanged base first): chrX-38286763-CTCTG-C. GRCh37 (hg19) VCF-style: chrX-38146016-CTCTG-C.
Other names: c.1569+4192_1569+4195del (NM_001367249.1, NM_001367250.1); c.1902+327_1902+330del (NM_001367245.1); c.1386+4192_1386+4195del (NM_001367251.1); c.1719+327_1719+330del (NM_001367246.1); c.1572+4192_1572+4195del (NM_001367247.1); c.1905+327_1905+330del (NM_000328.3); c.1602+4192_1602+4195del (NM_001367248.1); short protein forms D744fs.
Identifiers: ClinVar variation 2159558 (VCV002159558.5), dbSNP rs2519792716, ClinGen allele CA2580100931.